The following is an entry in ClinVar:

NM_005612.5(REST):c.70A>G (p.Met24Val)

Gene: REST (RE1 silencing transcription factor; plus strand). Cytogenetic location: 4q12.
Variant type: single nucleotide variant.
Coding change: c.70A>G on transcript NM_005612.5 (MANE Select); coding-DNA position 70, A replaced by G.
Protein change: p.Met24Val; replaces methionine 24 with valine.
Molecular consequence: missense variant.
Genome position (GRCh38, 1-based): chr4:56,910,708, A>G. VCF-style: chr4-56910708-A-G. GRCh37 (hg19) VCF-style: chr4-57776874-A-G.
Other names: c.70A>G, p.Met24Val (NM_001193508.2, NM_001363453.3); c.70A>G (NM_005612.4); short protein forms M24V.
Identifiers: ClinVar variation 1044084 (VCV001044084.7), dbSNP rs777368920, ClinGen allele CA2932037.

ClinVar aggregate classification (germline): Uncertain significance. Review status: criteria provided, multiple submitters, no conflicts (2 of 4 stars). 2 submissions from 2 submitters: Uncertain significance (2). Last evaluated 2026-03-25.

Conditions:
REST-related disorder. Also called: REST-related condition.

Allele frequency attached by ClinVar (database versions not stated): gnomAD exomes 0.00003 and 0.00018; ExAC 0.00004; TOPMed 0.00008; gnomAD 0.00009.
gnomAD v4.1: 280 of 1,614,068 alleles (0.017%); highest among the groups gnomAD compares: Non-Finnish European, 0.023%; 1 homozygote.

Submissions (2):

PreventionGenetics, part of Exact Sciences
Classification: Uncertain significance for REST-related condition. Last evaluated: 2026-03-25. Review status: criteria provided, single submitter. Criteria: ACMG Guidelines, 2015. Collection method: clinical testing. Allele origin: germline.
Comment: The REST c.70A>G variant is predicted to result in the amino acid substitution p.Met24Val. To our knowledge, this variant has not been reported in the literature. This variant is reported in 0.0077% of alleles in individuals of European (Non-Finnish) descent in gnomAD. At this time, the clinical significance of this variant is uncertain due to the absence of conclusive functional and genetic evidence.

Labcorp Genetics (formerly Invitae), Labcorp
Classification: Uncertain significance. Last evaluated: 2025-11-21. Review status: criteria provided, single submitter. Criteria: Invitae Variant Classification Sherloc (09022015). Collection method: clinical testing. Allele origin: germline.
Comment: This sequence change replaces methionine, which is neutral and non-polar, with valine, which is neutral and non-polar, at codon 24 of the REST protein (p.Met24Val). This variant is present in population databases (rs777368920, gnomAD 0.008%). This variant has not been reported in the literature in individuals affected with REST-related conditions. ClinVar contains an entry for this variant (Variation ID: 1044084). An algorithm developed to predict the effect of missense changes on protein structure and function (PolyPhen-2) suggests that this variant is likely to be tolerated. In summary, the available evidence is currently insufficient to determine the role of this variant in disease. Therefore, it has been classified as a Variant of Uncertain Significance.